The following is an entry in ClinVar:

NM_017849.4(TMEM127):c.31G>A (p.Gly11Ser)

Genes: TMEM127 (transmembrane protein 127; minus strand), LOC129934333 (ATAC-STARR-seq lymphoblastoid silent region 11759; plus strand). Cytogenetic location: 2q11.2.
Variant type: single nucleotide variant.
Coding change: c.31G>A on transcript NM_017849.4 (MANE Select); coding-DNA position 31, G replaced by A.
Protein change: p.Gly11Ser; replaces glycine 11 with serine.
Molecular consequence: missense variant.
Genome position (GRCh38, 1-based): chr2:96,265,351, C>T on the plus strand (G>A on the coding strand, the complement: TMEM127 is on the minus strand). VCF-style: chr2-96265351-C-T. GRCh37 (hg19) VCF-style: chr2-96931089-C-T.
Other names: c.31G>A, p.Gly11Ser (NM_001193304.3); short protein forms G11S.
Identifiers: ClinVar variation 1967246 (VCV001967246.5), dbSNP rs992633976, ClinGen allele CA347656282.

ClinVar aggregate classification (germline): Uncertain significance (1 of 4 stars; one submission).

Conditions:
Hereditary pheochromocytoma and paraganglioma. Also called: Hereditary paragangliomas and pheochromocytomas; Hereditary Paraganglioma-Pheochromocytoma Syndromes; Hereditary pheochromocytoma-paraganglioma. Identifiers: Orphanet 29072, MedGen C4274332, MONDO:0017366.

gnomAD v4.1: 3 of 1,500,024 alleles (0.0002%); highest among the groups gnomAD compares: South Asian, 0.0013%; no homozygotes.

Submission:

Labcorp Genetics (formerly Invitae), Labcorp
Classification: Uncertain significance for Hereditary pheochromocytoma and paraganglioma. Last evaluated: 2022-09-19. Review status: criteria provided, single submitter. Criteria: Invitae Variant Classification Sherloc (09022015). Collection method: clinical testing. Allele origin: germline.
Comment: This variant is not present in population databases (gnomAD no frequency). This variant has not been reported in the literature in individuals affected with TMEM127-related conditions. Algorithms developed to predict the effect of missense changes on protein structure and function output the following: SIFT: "Tolerated"; PolyPhen-2: "Not Available"; Align-GVGD: "Class C0". The serine amino acid residue is found in multiple mammalian species, which suggests that this missense change does not adversely affect protein function. In summary, the available evidence is currently insufficient to determine the role of this variant in disease. Therefore, it has been classified as a Variant of Uncertain Significance. This sequence change replaces glycine, which is neutral and non-polar, with serine, which is neutral and polar, at codon 11 of the TMEM127 protein (p.Gly11Ser).